The following is an entry in ClinVar:

ClinVar aggregate classification (germline): Likely benign. Review status: criteria provided, multiple submitters, no conflicts (2 of 4 stars). 2 submissions from 2 submitters: Likely benign (2). Last evaluated 2026-01-26.

Conditions:
Pontoneocerebellar hypoplasia. Also called: Pontocerebellar hypoplasia; Non-syndromic pontocerebellar hypoplasia. Identifiers: Orphanet 98523, MedGen C1261175, MONDO:0020135.

Allele frequency attached by ClinVar (database versions not stated): gnomAD 0.00009 and 0.00011; gnomAD exomes 0.00009 and 0.00029; TOPMed 0.00016; 1000 Genomes Project 0.00040; ExAC 0.00043; 1000 Genomes Project 30x 0.00047.
gnomAD v4.1: 146 of 1,610,662 alleles (0.0091%); highest among the groups gnomAD compares: East Asian, 0.3%; 1 homozygote.

Submissions (2):

Labcorp Genetics (formerly Invitae), Labcorp
Classification: Likely benign. Last evaluated: 2026-01-26. Review status: criteria provided, single submitter. Criteria: Invitae Variant Classification Sherloc (09022015). Collection method: clinical testing. Allele origin: germline.

Illumina Laboratory Services, Illumina
Classification: Likely benign for Pontoneocerebellar hypoplasia. Last evaluated: 2018-01-13. Review status: criteria provided, single submitter. Criteria: ICSL Variant Classification Criteria 13 December 2019. Collection method: clinical testing. Allele origin: germline.
Comment: This variant was observed in the ICSL laboratory as part of a predisposition screen in an ostensibly healthy population. It had not been previously curated by ICSL or reported in the Human Gene Mutation Database (HGMD: prior to June 1st, 2018), and was therefore a candidate for classification through an automated scoring system. Utilizing variant allele frequency, disease prevalence and penetrance estimates, and inheritance mode, an automated score was calculated to assess if this variant is too frequent to cause the disease. Based on the score and internal cut-off values, a variant classified as likely benign is not then subjected to further curation. The score for this variant resulted in a classification of likely benign for this disease.

NM_207346.3(TSEN54):c.862G>A (p.Val288Ile)

Gene: TSEN54 (tRNA splicing endonuclease subunit 54; plus strand). Cytogenetic location: 17q25.1.
Variant type: single nucleotide variant.
Coding change: c.862G>A on transcript NM_207346.3 (MANE Select); coding-DNA position 862, G replaced by A.
Protein change: p.Val288Ile; replaces valine 288 with isoleucine.
Molecular consequence: missense variant.
Genome position (GRCh38, 1-based): chr17:75,521,943, G>A. VCF-style: chr17-75521943-G-A. GRCh37 (hg19) VCF-style: chr17-73518024-G-A.
Other names: short protein forms V288I.
Identifiers: ClinVar variation 325088 (VCV000325088.13), dbSNP rs199682817, ClinGen allele CA8764291.